The following is an entry in ClinVar:

ClinVar aggregate classification (germline): Uncertain significance (1 of 4 stars; one submission).

gnomAD v4.1: 1 of 1,614,084 alleles (0.000062%); no homozygotes.

Submission:

Dasa
Classification: Uncertain significance. Last evaluated: 2026-03-25. Review status: criteria provided, single submitter. Criteria: DASA Assertion Criteria. Collection method: clinical testing. Allele origin: germline.
Comment: NM_020791.4(TAOK1):c.1466T>C (p.Met489Thr) is a missense variant that results in the substitution of methionine with threonine. This variant is rare in population databases. The currently available literature and clinical evidence are not sufficient to establish a definitive association between this variant and the reported condition. Therefore, this variant is classified as a variant of uncertain significance.

NM_020791.4(TAOK1):c.1466T>C (p.Met489Thr)

Gene: TAOK1 (TAO kinase 1; plus strand). Cytogenetic location: 17q11.2.
Variant type: single nucleotide variant.
Coding change: c.1466T>C on transcript NM_020791.4 (MANE Select); coding-DNA position 1466, T replaced by C.
Protein change: p.Met489Thr; replaces methionine 489 with threonine.
Molecular consequence: missense variant.
Genome position (GRCh38, 1-based): chr17:29,508,023, T>C. VCF-style: chr17-29508023-T-C. GRCh37 (hg19) VCF-style: chr17-27835041-T-C.
Other names: c.1466T>C, p.Met489Thr (NM_025142.1); short protein forms M489T.
Identifiers: ClinVar variation 4883308 (VCV004883308.2).
Genomic context (GRCh38, chr17:29,508,023, plus strand): 5'-GAATGAGGCGACAACATCAAAAGCAACTGATGACTCTGGAAAACAAGCTAAAGGCTGAGA[T>C]GGATGAACATCGCCTCAGATTAGACAAAGATCTTGAAACTCAGCGTAACAATTTTGCTGC-3'
Protein context (NP_065842.1, residues 479-499): MTLENKLKAE[Met489Thr]DEHRLRLDKD